The following is an entry in ClinVar:

ClinVar aggregate classification (germline): Uncertain significance (1 of 4 stars; one submission).

Conditions:
Hereditary cancer-predisposing syndrome. Also called: Hereditary Cancer Syndrome; Hereditary neoplastic syndrome; Neoplastic Syndromes, Hereditary; Tumor predisposition. Identifiers: Orphanet 140162, MedGen C0027672, MeSH D009386, MONDO:0015356.

gnomAD v4.1: 1 of 1,613,810 alleles (0.000062%); highest among the groups gnomAD compares: Non-Finnish European, 0.000085%; no homozygotes.

Submission:

Ambry Genetics
Classification: Uncertain significance for Hereditary cancer-predisposing syndrome. Last evaluated: 2025-06-07. Review status: criteria provided, single submitter. Criteria: Ambry Variant Classification Scheme 2023. Collection method: clinical testing. Allele origin: germline.
Comment: The p.T2679S variant (also known as c.8036C>G), located in coding exon 15 of the APC gene, results from a C to G substitution at nucleotide position 8036. The threonine at codon 2679 is replaced by serine, an amino acid with similar properties. This amino acid position is conserved. In addition, in silico predictors for this gene do not accurately predict pathogenicity. Based on the available evidence, the clinical significance of this variant remains unclear.

NM_000038.6(APC):c.8036C>G (p.Thr2679Ser)

Gene: APC (APC regulator of Wnt signaling pathway; plus strand). Cytogenetic location: 5q22.2.
Variant type: single nucleotide variant.
Coding change: c.8036C>G on transcript NM_000038.6 (MANE Select); coding-DNA position 8036, C replaced by G.
Protein change: p.Thr2679Ser; replaces threonine 2679 with serine.
Molecular consequence: missense variant. On other transcripts: non-coding transcript variant (2).
Genome position (GRCh38, 1-based): chr5:112,843,630, C>G. VCF-style: chr5-112843630-C-G. GRCh37 (hg19) VCF-style: chr5-112179327-C-G.
Other names: c.8090C>G, p.Thr2697Ser (NM_001407449.1, NM_001354896.2, NM_001407447.1 and 1 more transcripts); c.8036C>G, p.Thr2679Ser (NM_001407450.1, NM_001127510.3, NM_001354895.2); c.8015C>G, p.Thr2672Ser (NM_001407451.1); c.8006C>G, p.Thr2669Ser (NM_001407452.1); c.7859C>G, p.Thr2620Ser (NM_001407453.1, NM_001354901.2); c.7787C>G, p.Thr2596Ser (NM_001407454.1, NM_001407455.1, NM_001407456.1 and 1 more transcripts); c.7733C>G, p.Thr2578Ser (NM_001407458.1, NM_001407459.1, NM_001407460.1 and 1 more transcripts); c.7649C>G, p.Thr2550Ser (NM_001407467.1, NM_001407469.1); and 11 more; short protein forms T2396S, T2596S, T2638S, T2620S, T2669S, T2689S, T2707S, T2519S.
Identifiers: ClinVar variation 3929920 (VCV003929920.1).